The following is an entry in ClinVar:

ClinVar aggregate classification (germline): Likely benign. Review status: criteria provided, multiple submitters, no conflicts (2 of 4 stars). 3 submissions from 3 submitters: Likely benign (3). Last evaluated 2025-09-07.

Conditions:
Episodic ataxia type 2 (EA2). Also called: ACETAZOLAMIDE-RESPONSIVE HEREDITARY PAROXYSMAL CEREBELLAR ATAXIA; ATAXIA, EPISODIC, WITH NYSTAGMUS; ATAXIA, FAMILIAL PAROXYSMAL; CEREBELLAR ATAXIA, PAROXYSMAL, ACETAZOLAMIDE-RESPONSIVE; CEREBELLOPATHY, HEREDITARY PAROXYSMAL; EPISODIC ATAXIA, NYSTAGMUS-ASSOCIATED. Identifiers: Orphanet 97, MedGen C1720416, MONDO:0007163, OMIM 108500.
Developmental and epileptic encephalopathy, 42 (DEE42A). Also called: Epileptic encephalopathy, early infantile, 42; DEVELOPMENTAL AND EPILEPTIC ENCEPHALOPATHY 42A; EPILEPTIC ENCEPHALOPATHY, EARLY INFANTILE, 42A. Identifiers: MedGen C4310716, MONDO:0014917, OMIM 617106.

Allele frequency attached by ClinVar (database versions not stated): gnomAD 0.00008 and 0.00009; TOPMed 0.00008; gnomAD exomes 0.00009; ExAC 0.00012.
gnomAD v4.1: 273 of 1,611,634 alleles (0.017%); highest among the groups gnomAD compares: Non-Finnish European, 0.022%; no homozygotes.

Submissions (3):

Labcorp Genetics (formerly Invitae), Labcorp
Classification: Likely benign for Developmental and epileptic encephalopathy, 42; Episodic ataxia type 2. Last evaluated: 2025-09-07. Review status: criteria provided, single submitter. Criteria: Invitae Variant Classification Sherloc (09022015). Collection method: clinical testing. Allele origin: germline.

Blueprint Genetics
Classification: Likely benign. Last evaluated: 2024-07-19. Review status: criteria provided, single submitter. Criteria: ACMG Guidelines, 2015. Collection method: clinical testing. Allele origin: germline.

GeneDx
Classification: Likely benign. Last evaluated: 2017-11-21. Review status: criteria provided, single submitter. Criteria: GeneDx Variant Classification (06012015). Collection method: clinical testing. Allele origin: germline. Affected: yes.
Comment: This variant is considered likely benign or benign based on one or more of the following criteria: it is a conservative change, it occurs at a poorly conserved position in the protein, it is predicted to be benign by multiple in silico algorithms, and/or has population frequency not consistent with disease.

NM_001127222.2(CACNA1A):c.539+17A>G

Gene: CACNA1A (calcium voltage-gated channel subunit alpha1 A; minus strand). Cytogenetic location: 19p13.13.
Variant type: single nucleotide variant.
Coding change: c.539+17A>G on transcript NM_001127222.2 (MANE Select); 17 bases into the intron after coding-DNA position 539, A replaced by G.
Molecular consequence: intron variant.
Genome position (GRCh38, 1-based): chr19:13,452,859, T>C on the plus strand (A>G on the coding strand, the complement: CACNA1A is on the minus strand). VCF-style: chr19-13452859-T-C. GRCh37 (hg19) VCF-style: chr19-13563673-T-C.
Other names: c.539+17A>G (NM_001127221.2, NM_001174080.2, NM_000068.4 and 1 more transcripts).
Identifiers: ClinVar variation 388334 (VCV000388334.10), dbSNP rs752280152, ClinGen allele CA9241016.